The following is an entry in ClinVar:

GRCh37/hg19 7q11.22-11.23(chr7:71922423-76007380)x1

Genes: ABHD11 (abhydrolase domain containing 11; minus strand), ABHD11-AS1 (ABHD11 antisense RNA 1 (tail to tail); plus strand), BAZ1B (bromodomain adjacent to zinc finger domain 1B; minus strand), BCL7B (BAF chromatin remodeling complex subunit BCL7B; minus strand), BUD23 (BUD23 rRNA methyltransferase and ribosome maturation factor; plus strand) and 44 more. Cytogenetic location: 7q11.22-11.23.
Variant type: copy number loss.
Change: copy number 1 (one copy instead of two) of chr7:71,922,423-76,007,380 (4.08 Mb, GRCh37 coordinates, 1-based), cytogenetic band 7q11.22-11.23.
Identifiers: ClinVar variation 4682695 (VCV004682695.1).

ClinVar aggregate classification (germline): Pathogenic (1 of 4 stars; one submission).

Submission:

Quest Diagnostics Nichols Institute San Juan Capistrano
Classification: Pathogenic. Last evaluated: 2025-05-23. Review status: criteria provided, single submitter. Criteria: ACMG/ClinGen CNV Guidelines, 2019. Collection method: clinical testing. Allele origin: unknown.
Comment: This deletion involves at least 55 protein-coding genes, and contains the Williams-Beuren syndromic region (WBS; OMIM 194050; ISCA-37392; Morris 2022) and the distal 7q11.23 deletion region (ISCA-46291; Amato 2024, Birca 2022, Edelmann 2007, Ramocki 2010). Specifically, HIP1 and YWHAG have been proposed as candidate genes (Edelmann 2007, Fusco 2014, Ramocki 2010). There are no similar copy number losses of this region in the general populations of the Database of Genomic Variants. Thus, based on current medical literature and gene content, this copy number variant (CNV) is classified as pathogenic. References: Amato et al., Eur J Paediatr Neurol. 2024 Nov:53:63-72. PMID: 39413657 Birca et al., Child Neurol Open. 2022 Apr 21;9:2329048X221093173. PMID: 35481155 Edelmann et al., J Med Genet. 2007 Feb;44(2):136-43. PMID: 16971481 Fusco et al., Eur J Hum Genet. 2014 Jan;22(1):64-70. PMID: 23756441 Morris et al., GeneReviews. [2023 Apr 13]. PMID: 20301427 Ramocki et al., Am J Hum Genet. 2010 Dec 10;87(6):857-65. PMID: 21109226